The following is an entry in ClinVar:

ClinVar aggregate classification (germline): Uncertain significance. Review status: criteria provided, multiple submitters, no conflicts (2 of 4 stars). 2 submissions from 2 submitters: Uncertain significance (2). Last evaluated 2025-08-10.

Conditions:
Hereditary cancer-predisposing syndrome. Also called: Tumor predisposition; Hereditary Cancer Syndrome; Hereditary neoplastic syndrome; Neoplastic Syndromes, Hereditary. Identifiers: Orphanet 140162, MedGen C0027672, MeSH D009386, MONDO:0015356.
Hereditary pheochromocytoma and paraganglioma. Also called: Hereditary paragangliomas and pheochromocytomas; Hereditary Paraganglioma-Pheochromocytoma Syndromes; Hereditary pheochromocytoma-paraganglioma. Identifiers: Orphanet 29072, MedGen C4274332, MONDO:0017366.

Submissions (2):

Ambry Genetics
Classification: Uncertain significance for Hereditary cancer-predisposing syndrome. Last evaluated: 2025-08-10. Review status: criteria provided, single submitter. Criteria: Ambry Variant Classification Scheme 2023. Collection method: clinical testing. Allele origin: germline.
Comment: The p.L39R variant (also known as c.116T>G), located in coding exon 1 of the TMEM127 gene, results from a T to G substitution at nucleotide position 116. The leucine at codon 39 is replaced by arginine, an amino acid with dissimilar properties. This amino acid position is conserved. In addition, this alteration is predicted to be deleterious by in silico analysis. Based on the available evidence, the clinical significance of this variant remains unclear.

Labcorp Genetics (formerly Invitae), Labcorp
Classification: Uncertain significance for Hereditary pheochromocytoma and paraganglioma. Last evaluated: 2021-10-21. Review status: criteria provided, single submitter. Criteria: Invitae Variant Classification Sherloc (09022015). Collection method: clinical testing. Allele origin: germline.
Comment: This sequence change replaces leucine with arginine at codon 39 of the TMEM127 protein (p.Leu39Arg). The leucine residue is highly conserved and there is a moderate physicochemical difference between leucine and arginine. This variant is not present in population databases (ExAC no frequency). This variant has not been reported in the literature in individuals affected with TMEM127-related conditions. Algorithms developed to predict the effect of missense changes on protein structure and function are either unavailable or do not agree on the potential impact of this missense change (SIFT: "Deleterious"; PolyPhen-2: "Possibly Damaging"; Align-GVGD: "Class C0"). In summary, the available evidence is currently insufficient to determine the role of this variant in disease. Therefore, it has been classified as a Variant of Uncertain Significance.

NM_017849.4(TMEM127):c.116T>G (p.Leu39Arg)

Genes: TMEM127 (transmembrane protein 127; minus strand), LOC129934333 (ATAC-STARR-seq lymphoblastoid silent region 11759; plus strand). Cytogenetic location: 2q11.2.
Variant type: single nucleotide variant.
Coding change: c.116T>G on transcript NM_017849.4 (MANE Select); coding-DNA position 116, T replaced by G.
Protein change: p.Leu39Arg; replaces leucine 39 with arginine.
Molecular consequence: missense variant.
Genome position (GRCh38, 1-based): chr2:96,265,266, A>C on the plus strand (T>G on the coding strand, the complement: TMEM127 is on the minus strand). VCF-style: chr2-96265266-A-C. GRCh37 (hg19) VCF-style: chr2-96931004-A-C.
Other names: c.116T>G (NM_017849.3); c.116T>G, p.Leu39Arg (NM_001193304.3); short protein forms L39R.
Identifiers: ClinVar variation 1483327 (VCV001483327.7), dbSNP rs1684392845, ClinGen allele CA347656082.